The following is an entry in ClinVar:

NM_006361.6(HOXB13):c.765C>T (p.Leu255=)

Gene: HOXB13 (homeobox B13; minus strand). Cytogenetic location: 17q21.32.
Variant type: single nucleotide variant.
Coding change: c.765C>T on transcript NM_006361.6 (MANE Select); coding-DNA position 765, C replaced by T.
Protein change: p.Leu255=; no amino-acid change (leucine 255 retained).
Molecular consequence: synonymous variant.
Genome position (GRCh38, 1-based): chr17:48,726,880, G>A on the plus strand (C>T on the coding strand, the complement: HOXB13 is on the minus strand). VCF-style: chr17-48726880-G-A. GRCh37 (hg19) VCF-style: chr17-46804242-G-A.
Identifiers: ClinVar variation 691192 (VCV000691192.16), dbSNP rs1597932610, ClinGen allele CA500500662.

ClinVar aggregate classification (germline): Benign/Likely benign. Review status: criteria provided, multiple submitters, no conflicts (2 of 4 stars). 4 submissions from 4 submitters: Benign (1); Likely benign (2). 1 of the submissions does not count toward it. Last evaluated 2025-01-15.

Conditions:
Prostate cancer, hereditary, 9 (HPC9). Identifiers: Orphanet 1331, MedGen C1970250, MONDO:0012597, OMIM 610997.
Prostate cancer, hereditary, 1 (HPC1). Identifiers: Orphanet 1331, MedGen C4722327, MONDO:0011098, OMIM 601518.
Hereditary cancer-predisposing syndrome. Also called: Neoplastic Syndromes, Hereditary; Tumor predisposition; Hereditary neoplastic syndrome; Hereditary Cancer Syndrome. Identifiers: Orphanet 140162, MedGen C0027672, MeSH D009386, MONDO:0015356.

Submissions (4):

Labcorp Genetics (formerly Invitae), Labcorp
Classification: Likely benign. Last evaluated: 2025-01-15. Review status: criteria provided, single submitter. Criteria: Invitae Variant Classification Sherloc (09022015). Collection method: clinical testing. Allele origin: germline.

Myriad Genetics, Inc.
Classification: Benign for Prostate cancer, hereditary, 9. Last evaluated: 2024-10-31. Review status: criteria provided, single submitter. Criteria: Myriad Autosomal Dominant, Autosomal Recessive and X-Linked Classification Criteria (2023). Collection method: clinical testing. Allele origin: unknown.
Comment: This variant is considered benign. This variant is a silent/synonymous amino acid change and it is not expected to impact splicing.

Ambry Genetics
Classification: Likely benign for Hereditary cancer-predisposing syndrome. Last evaluated: 2019-05-13. Review status: criteria provided, single submitter. Criteria: Ambry Variant Classification Scheme 2023. Collection method: clinical testing. Allele origin: germline.

Laboratory of Virology, Microbiology,  Quality and Medical Biotechnologies, Faculty of Sciences and Techniques - Mohammedia, Hassan II University of Casablanca
Classification: Uncertain significance for Prostate cancer, hereditary, 1. Review status: no assertion criteria provided. Collection method: clinical testing. Allele origin: somatic. Affected: yes. Not counted in ClinVar's aggregate classification.